The following is an entry in ClinVar:

ClinVar aggregate classification (germline): Pathogenic/Likely pathogenic. Review status: criteria provided, multiple submitters, no conflicts (2 of 4 stars). 29 submissions from 27 submitters: Pathogenic (15); Likely pathogenic (8). 6 of the submissions do not count toward it. Last evaluated 2026-07-10.

Conditions:
Retinitis pigmentosa (RP). Identifiers: Orphanet 791, MedGen C0035334, MeSH D012174, MONDO:0019200, OMIM 268000. Inheritance: Autosomal dominant, autosomal recessive and X linked inheritance.
Autosomal recessive USH2A-related disorders.
Retinitis pigmentosa 39 (RP39). Identifiers: Orphanet 791, MedGen C3151138, MONDO:0013436, OMIM 613809.
Usher syndrome type 2A. Also called: RETINAL DISEASE IN USHER SYNDROME TYPE IIA, MODIFIER OF; USHER SYNDROME, TYPE IIA. Identifiers: Orphanet 231178, Orphanet 886, MedGen C1848634, MONDO:0010169, OMIM 276901.
Usher syndrome. Also called: Usher Syndromes; Usher's syndrome. Identifiers: Orphanet 886, MedGen CN469326, MeSH D052245, MONDO:0019501. Disease mechanism: loss of function.
USH2A-related disorder. Also called: USH2A-related disorders; USH2A-related condition. Identifiers: MedGen CN239332.
Retinal dystrophy. Also called: Inherited retinal dystrophy. Identifiers: Orphanet 71862, MedGen C0854723, MeSH D058499, MONDO:0019118, HP:0000556.

Allele frequency attached by ClinVar (database versions not stated): gnomAD exomes 0.00028 and 0.00059; 1000 Genomes Project 0.00020; TOPMed 0.00035; gnomAD 0.00046 and 0.00044; 1000 Genomes Project 30x 0.00031; ExAC 0.00047; ESP Exome Variant Server 0.00015.
gnomAD v4.1: 502 of 1,614,098 alleles (0.031%); highest among the groups gnomAD compares: Admixed American, 0.097%; 1 homozygote.

Submissions 1 to 9 of 29:

PreventionGenetics, part of Exact Sciences
Classification: Pathogenic for USH2A-related condition. Last evaluated: 2026-07-10. Review status: criteria provided, single submitter. Criteria: ACMG Guidelines, 2015. Collection method: clinical testing. Allele origin: germline.
Comment: The USH2A c.12575G>A variant is predicted to result in the amino acid substitution p.Arg4192His. This variant has been reported in the compound heterozygous state as causative for retinitis pigmentosa (RP) and Usher syndrome type 2 (Lenassi et al. 2015. PubMed ID: 25649381; Neveling et al. 2012. PubMed ID: 22334370; Avila-Fernandez et al. 2010. PubMed ID: 21151602). At PreventionGenetics, we have seen this variant either in the homozygous state or along with a second causative variant in several unrelated patients (internal data). This variant is reported in 0.89% of alleles in individuals of Ashkenazi Jewish descent in gnomAD, including one homozygote, which is relatively frequent for a disease-causing variant. The majority of submitters to ClinVar interpret this variant as pathogenic or likely pathogenic (Variation ID: 166434). This variant is interpreted as pathogenic.

Labcorp Genetics (formerly Invitae), Labcorp
Classification: Pathogenic. Last evaluated: 2026-02-04. Review status: criteria provided, single submitter. Criteria: Invitae Variant Classification Sherloc (09022015). Collection method: clinical testing. Allele origin: germline.
Comment: This sequence change replaces arginine, which is basic and polar, with histidine, which is basic and polar, at codon 4192 of the USH2A protein (p.Arg4192His). This variant is present in population databases (rs199605265, gnomAD 0.9%), including at least one homozygous and/or hemizygous individual. This missense change has been observed in individual(s) with mild or late onset deafness and/or nonsyndromic retinal disease (PMID: 21151602, 22135276, 22334370, 23991284, 25649381, 28118666, 28559085, 28894305; internal data). In at least one individual the data is consistent with being in trans (on the opposite chromosome) from a pathogenic variant. ClinVar contains an entry for this variant (Variation ID: 166434). Invitae Evidence Modeling of protein sequence and biophysical properties (such as structural, functional, and spatial information, amino acid conservation, physicochemical variation, residue mobility, and thermodynamic stability) indicates that this missense variant is not expected to disrupt USH2A protein function with a negative predictive value of 95%. For these reasons, this variant has been classified as Pathogenic.

3billion
Classification: Pathogenic for USH2A-related disorder. Last evaluated: 2026-01-13. Review status: criteria provided, single submitter. Criteria: ACMG Guidelines, 2015. Collection method: clinical testing. Allele origin: germline. Affected: yes.
Comment: The variant is observed at an extremely low frequency in the gnomAD v4.1.0 dataset (total allele frequency: 0.031%). Predicted Consequence/Location: Missense variant The same nucleotide change resulting in the same amino acid change has been previously reported as pathogenic/likely pathogenic with strong evidence (ClinVar ID: VCV000166434 /PMID: 21151602 /3billion dataset). The variant has been reported to be in trans with a pathogenic variant as either compound heterozygous or homozygous in at least 4 similarly affected unrelated individuals (PMID: 21151602, 23991284, 28118666, 28894305). A different missense change at the same codon (p.Arg4192Cys) has been reported as pathogenic/likely pathogenic with strong evidence (ClinVar ID: VCV000281818 /PMID: 23940504 /3billion dataset). Therefore, this variant is classified as Pathogenic according to the recommendation of ACMG/AMP guideline.

Variantyx, Inc.
Classification: Likely pathogenic for Autosomal recessive USH2A-related disorders. Last evaluated: 2025-11-14. Review status: criteria provided, single submitter. Criteria: Variantyx Assertion Criteria 2022. Collection method: clinical testing. Allele origin: germline. Inheritance: Autosomal recessive inheritance.
Comment: This is a nonsynonymous variant in the USH2A gene (OMIM: 608400). Pathogenic variants in this gene have been associated with autosomal recessive USH2A-related disorders. This variant has been reported in the homozygous or compound heterozygous state in many unrelated affected individuals (PMID: 21151602, 25649381, 28559085, 31456290, 32326409, 36785559, 34327195) (PM3).The alteration lies within a known hotspot for pathogenic variants or a well-established critical functional domain of the USH2A protein (PMID: 36034145) (PM1). Multiple computational algorithms predict no functional impact for this variant (REVEL score: 0.119) (BP4_Moderate). This variant has a 0.0966% maximum allele frequency in non-founder control populations. Based on the evidence, this variant is classified as likely pathogenic for autosomal recessive USH2A-related disorders.

GeneDx
Classification: Pathogenic. Last evaluated: 2025-11-07. Review status: criteria provided, single submitter. Criteria: GeneDx Variant Classification Process June 2021. Collection method: clinical testing. Allele origin: germline. Affected: yes.
Comment: In silico analysis supports that this missense variant does not alter protein structure/function; This variant is associated with the following publications: (PMID: 32531858, 37798099, 38219857, 38927702, 38347443, 32637036, 25649381, 23591405, 26427457, 28131284, 26880948, 28559085, 21151602, 22334370, 27596865, 28118666, 30217765, 32326409, 31980526, 32036094, 32581362, 26806561, 25412400, 28041643, 26927203, 29276052, 31049658, 31736247, 32269941, 31456290, 28805479, 27160483, 20507924, 22135276, 34327195, 32675063, 28894305, 36524988, 31964843, 36460718, 36785559, 37217489, 33749171, 37734845, 34906470, 33576794, 32037395, 23991284, 34961661, 34781295, 35266249, 23940504, 27460420)

Natera, Inc.
Classification: Likely pathogenic for Usher syndrome type 2A. Last evaluated: 2025-08-07. Review status: criteria provided, single submitter. Criteria: Natera Variant Classification Schema (03/2026). Collection method: clinical testing. Allele origin: germline.
Comment: The c.12575G>A variant in USH2A is a missense variant predicted to cause substitution of arginine to histidine at amino acid 4192. This variant has been observed in at least one unaffected individual, with a zygosity that is consistent with the inheritance pattern for the associated condition (in gnomAD and/or literature). This variant has been observed in one or more individuals affected with the associated recessive disease, as either homozygous or compound heterozygous with a second variant (PMID: 32531858, 29276052, 20507924, 22334370, 36646238, 21151602, 36785559, 30902645). A different variant at the same position has been determined to be Pathogenic or Likely Pathogenic. Given the available evidence, this variant is classified as Likely Pathogenic.

Institute of Human Genetics, University of Leipzig Medical Center
Classification: Pathogenic for Retinitis pigmentosa 39. Last evaluated: 2025-08-06. Review status: criteria provided, single submitter. Criteria: ACMG Guidelines, 2015. Collection method: clinical testing. Allele origin: unknown. Inheritance: Autosomal recessive inheritance. Affected: yes.
Comment: Criteria applied: PM3_VSTR,PM5; Identified as compund heterozygous with NM_206933.4:c.2299del

OLLIN Analises Genomicas, OLLIN
Classification: Pathogenic for Retinitis pigmentosa 39. Last evaluated: 2025-06-10. Review status: criteria provided, single submitter. Criteria: ACMG Guidelines 2015 PMID 25741868. Collection method: clinical testing. Allele origin: germline. Affected: yes. Observed: 1 variant allele.
Comment: The missense variant (chr1:215675336C>T), located in exon 63 (of 72), is reported in ClinVar (VCV000166434.81), in gnomAD v4.1 non-UKB with an allele frequency of 0.0507%, and in the scientific literature in individuals with retinitis pigmentosa (PMID: 21151602, 30902645, 32531858, 35672425, 21151602, 30902645). In silico analysis predicts that this variant has a tolerated effect. There is another pathogenic variant reported in the same residue, but with a different consequence (ClinVar ID: VCV000281818.93 - UUID: 2c4d6b60-7250-4f03-8de9-0d25373a1521). According to the currently available evidence and the specific ClinGen criteria for the gene (PMID: 34230634, 31160754), this variant has been classified as pathogenic (PM3_VS, PM5, PP4, BP4_M, BS1).

CeGaT Center for Human Genetics Tuebingen
Classification: Pathogenic. Last evaluated: 2025-03-01. Review status: criteria provided, single submitter. Criteria: CeGaT Center For Human Genetics Tuebingen Variant Classification Criteria Version 2. Collection method: clinical testing. Allele origin: germline. Affected: yes. Observed: 3 variant alleles.
Comment: USH2A: PM3:Very Strong, PM5, PM2:Supporting, BP4

NM_206933.4(USH2A):c.12575G>A (p.Arg4192His)

Gene: USH2A (usherin; minus strand). Cytogenetic location: 1q41.
Variant type: single nucleotide variant.
Coding change: c.12575G>A on transcript NM_206933.4 (MANE Select); coding-DNA position 12575, G replaced by A.
Protein change: p.Arg4192His; replaces arginine 4192 with histidine.
Molecular consequence: missense variant.
Genome position (GRCh38, 1-based): chr1:215,675,336, C>T on the plus strand (G>A on the coding strand, the complement: USH2A is on the minus strand). VCF-style: chr1-215675336-C-T. GRCh37 (hg19) VCF-style: chr1-215848678-C-T.
Other names: c.12575G>A (NM_206933.3); short protein forms R4192H.
Identifiers: ClinVar variation 166434 (VCV000166434.91), dbSNP rs199605265, ClinGen allele CA179511.